The following is an entry in ClinVar:

ClinVar aggregate classification (germline): Uncertain significance (1 of 4 stars; one submission).

Conditions:
Alstrom syndrome (ALMS). Identifiers: Orphanet 64, MedGen C0268425, MONDO:0008763, OMIM 203800.

Submission:

Labcorp Genetics (formerly Invitae), Labcorp
Classification: Uncertain significance for Alstrom syndrome. Last evaluated: 2021-11-13. Review status: criteria provided, single submitter. Criteria: Invitae Variant Classification Sherloc (09022015). Collection method: clinical testing. Allele origin: germline.
Comment: This sequence change replaces asparagine, which is neutral and polar, with lysine, which is basic and polar, at codon 3452 of the ALMS1 protein (p.Asn3452Lys). This variant is not present in population databases (gnomAD no frequency). This variant has not been reported in the literature in individuals affected with ALMS1-related conditions. Experimental studies and prediction algorithms are not available or were not evaluated, and the functional significance of this variant is currently unknown. In summary, the available evidence is currently insufficient to determine the role of this variant in disease. Therefore, it has been classified as a Variant of Uncertain Significance.

NM_001378454.1(ALMS1):c.10353C>A (p.Asn3451Lys)

Gene: ALMS1 (ALMS1 centrosome and basal body associated protein; plus strand). Cytogenetic location: 2p13.1.
Variant type: single nucleotide variant.
Coding change: c.10353C>A on transcript NM_001378454.1 (MANE Select); coding-DNA position 10353, C replaced by A.
Protein change: p.Asn3451Lys; replaces asparagine 3451 with lysine.
Molecular consequence: missense variant.
Genome position (GRCh38, 1-based): chr2:73,559,111, C>A. VCF-style: chr2-73559111-C-A. GRCh37 (hg19) VCF-style: chr2-73786238-C-A.
Other names: c.10356C>A, p.Asn3452Lys (NM_015120.4); short protein forms N3451K, N3452K.
Identifiers: ClinVar variation 1351353 (VCV001351353.3), dbSNP rs1209953727, ClinGen allele CA347278294.